The following is an entry in ClinVar:

NM_000138.5(FBN1):c.3958T>C (p.Cys1320Arg)

Gene: FBN1 (fibrillin 1; minus strand). Cytogenetic location: 15q21.1.
Variant type: single nucleotide variant.
Coding change: c.3958T>C on transcript NM_000138.5 (MANE Select); coding-DNA position 3958, T replaced by C.
Protein change: p.Cys1320Arg; replaces cysteine 1320 with arginine.
Molecular consequence: missense variant.
Genome position (GRCh38, 1-based): chr15:48,481,661, A>G on the plus strand (T>C on the coding strand, the complement: FBN1 is on the minus strand). VCF-style: chr15-48481661-A-G. GRCh37 (hg19) VCF-style: chr15-48773858-A-G.
Other names: short protein forms C1320R.
Identifiers: ClinVar variation 639403 (VCV000639403.9), dbSNP rs1597558920, ClinGen allele CA392322200.

ClinVar aggregate classification (germline): Pathogenic. Review status: criteria provided, multiple submitters, no conflicts (2 of 4 stars). 2 submissions from 2 submitters: Pathogenic (2). Last evaluated 2024-01-30.

Conditions:
Familial thoracic aortic aneurysm and aortic dissection (TAAD). Also called: Thoracic aortic aneurysms and dissections. Identifiers: Orphanet 91387, MedGen C4707243, MONDO:0019625.
Marfan syndrome (MFS). Also called: FBN1-Related Marfan Syndrome; Marfan syndrome type 1; Marfan's syndrome; Marfan syndrome, classic; MARFAN SYNDROME, TYPE I. Identifiers: Orphanet 284963, Orphanet 558, MedGen C0024796, MONDO:0007947, OMIM 154700.

Submissions (2):

GeneDx
Classification: Pathogenic. Last evaluated: 2024-01-30. Review status: criteria provided, single submitter. Criteria: GeneDx Variant Classification Process June 2021. Collection method: clinical testing. Allele origin: germline. Affected: yes.
Comment: Affects a cysteine residue within a calcium-binding EGF-like domain of the FBN1 gene, which may affect disulfide bonding and is predicted to alter the structure and function of the protein; cysteine substitutions in the calcium-binding EGF-like domains represent the majority of pathogenic missense changes associated with FBN1-related disorders (PMID: 12938084); Not observed at significant frequency in large population cohorts (gnomAD); In silico analysis supports that this missense variant has a deleterious effect on protein structure/function; This variant is associated with the following publications: (PMID: 18435798, 19293843, 10486319, 12938084)

Labcorp Genetics (formerly Invitae), Labcorp
Classification: Pathogenic for Marfan syndrome; Familial thoracic aortic aneurysm and aortic dissection. Last evaluated: 2023-04-22. Review status: criteria provided, single submitter. Criteria: Invitae Variant Classification Sherloc (09022015). Collection method: clinical testing. Allele origin: germline.
Comment: For these reasons, this variant has been classified as Pathogenic. This variant affects a cysteine residue in the EGF-like, TGFBP or hybrid motif domains of FBN1. Cysteine residues are believed to be involved in intramolecular disulfide bridges and have been shown to be important for FBN1 protein structure (PMID: 16905551, 19349279). In addition, missense substitutions affecting cysteine residues within these domains are significantly overrepresented among patients with Marfan syndrome (PMID: 16571647, 17701892). Advanced modeling of protein sequence and biophysical properties (such as structural, functional, and spatial information, amino acid conservation, physicochemical variation, residue mobility, and thermodynamic stability) performed at Invitae indicates that this missense variant is expected to disrupt FBN1 protein function. ClinVar contains an entry for this variant (Variation ID: 639403). This missense change has been observed in individual(s) with Marfan syndrome (PMID: 18435798, 19293843). In at least one individual the variant was observed to be de novo. This variant is not present in population databases (gnomAD no frequency). This sequence change replaces cysteine, which is neutral and slightly polar, with arginine, which is basic and polar, at codon 1320 of the FBN1 protein (p.Cys1320Arg).

Literature cited by the submitters: PubMed 16905551 (cited by Labcorp Genetics (formerly Invitae), Labcorp); PubMed 19349279 (cited by Labcorp Genetics (formerly Invitae), Labcorp); PubMed 16571647 (cited by Labcorp Genetics (formerly Invitae), Labcorp); PubMed 17701892 (cited by Labcorp Genetics (formerly Invitae), Labcorp); PubMed 18435798 (cited by Labcorp Genetics (formerly Invitae), Labcorp); PubMed 19293843 (cited by Labcorp Genetics (formerly Invitae), Labcorp).